The following is an entry in ClinVar:

ClinVar aggregate classification (germline): Pathogenic (1 of 4 stars; one submission).

Conditions:
Familial cancer of breast. Also called: Hereditary breast cancer; BREAST CANCER, FAMILIAL; hereditary breast carcinoma. Identifiers: Orphanet 227535, MedGen C0346153, MONDO:0016419, OMIM 114480. Disease mechanism: loss of function.

Submission:

Myriad Genetics, Inc.
Classification: Pathogenic for Familial cancer of breast. Last evaluated: 2023-09-07. Review status: criteria provided, single submitter. Criteria: Myriad Autosomal Dominant, Autosomal Recessive and X-Linked Classification Criteria (2023). Collection method: clinical testing. Allele origin: unknown.
Comment: This variant is considered pathogenic. This variant creates a frameshift predicted to result in premature protein truncation.

NM_024675.4(PALB2):c.1114del (p.Ser372fs)

Gene: PALB2 (partner and localizer of BRCA2; minus strand). Cytogenetic location: 16p12.2.
Variant type: Deletion.
Coding change: c.1114del on transcript NM_024675.4 (MANE Select); coding-DNA position 1114, one base deleted (A; older notation c.1114delA).
Protein change: p.Ser372fs; shifts the reading frame from serine 372.
Molecular consequence: frameshift variant. On other transcripts: intron variant (3).
Genome position (GRCh38, 1-based): chr16:23,635,432, T deleted on the plus strand (A on the coding strand, the reverse complement: PALB2 is on the minus strand); the first of 3 consecutive T bases (chr16:23,635,432-23,635,434); deleting any one gives the same sequence. VCF-style (leftmost placement, unchanged base first): chr16-23635431-CT-C. GRCh37 (hg19) VCF-style: chr16-23646752-CT-C.
Other names: c.1054del, p.Ser352fs (NM_001407296.1); c.1114del, p.Ser372fs (NM_001407297.1, NM_001407298.1, NM_001407299.1 and 3 more transcripts); c.229del, p.Ser77fs (NM_001407304.1, NM_001407305.1, NM_001407306.1 and 5 more transcripts); c.48+5678del (NM_001407314.1); c.-104-4963del (NM_001407313.1, NM_001407312.1); short protein forms S352fs, S372fs, S77fs.
Identifiers: ClinVar variation 2674173 (VCV002674173.1), dbSNP rs1060499815, ClinGen allele CA2695197507.